The following is an entry in ClinVar:

ClinVar aggregate classification (germline): Uncertain significance (1 of 4 stars; one submission).

Conditions:
Fanconi anemia (FA). Also called: Fanconi's anemia. Identifiers: Orphanet 84, MedGen C0015625, MeSH D005199, MONDO:0019391.

Submission:

Labcorp Genetics (formerly Invitae), Labcorp
Classification: Uncertain significance for Fanconi anemia. Last evaluated: 2022-03-12. Review status: criteria provided, single submitter. Criteria: Invitae Variant Classification Sherloc (09022015). Collection method: clinical testing. Allele origin: germline.
Comment: This variant is not present in population databases (gnomAD no frequency). This sequence change replaces serine, which is neutral and polar, with threonine, which is neutral and polar, at codon 144 of the FANCL protein (p.Ser144Thr). This variant has not been reported in the literature in individuals affected with FANCL-related conditions. In summary, the available evidence is currently insufficient to determine the role of this variant in disease. Therefore, it has been classified as a Variant of Uncertain Significance. Algorithms developed to predict the effect of missense changes on protein structure and function (SIFT, PolyPhen-2, Align-GVGD) all suggest that this variant is likely to be tolerated.

NM_018062.4(FANCL):c.430T>A (p.Ser144Thr)

Gene: FANCL (FA complementation group L; minus strand). Cytogenetic location: 2p16.1.
Variant type: single nucleotide variant.
Coding change: c.430T>A on transcript NM_018062.4 (MANE Select); coding-DNA position 430, T replaced by A.
Protein change: p.Ser144Thr; replaces serine 144 with threonine.
Molecular consequence: missense variant.
Genome position (GRCh38, 1-based): chr2:58,204,171, A>T on the plus strand (T>A on the coding strand, the complement: FANCL is on the minus strand). VCF-style: chr2-58204171-A-T. GRCh37 (hg19) VCF-style: chr2-58431306-A-T.
Other names: c.430T>A, p.Ser144Thr (NM_001114636.2, NM_001374615.1, NM_001410792.1); short protein forms S144T.
Identifiers: ClinVar variation 1465232 (VCV001465232.6), dbSNP rs2105147558, ClinGen allele CA347034104.